The following is an entry in ClinVar:

NC_000005.9:g.(?_13692093)_(14871567_?)dup

Genes: OTULIN (OTU deubiquitinase with linear linkage specificity; plus strand), OTULIN-DT (OTULIN divergent transcript; minus strand), ANKH (ANKH inorganic pyrophosphate transport regulator; minus strand), DNAH5 (dynein axonemal heavy chain 5; minus strand), OTULINL (OTU deubiquitinase with linear linkage specificity like; plus strand) and 1 more. Cytogenetic location: 5p15.2.
Variant type: Duplication.
Identifiers: ClinVar variation 2427164 (VCV002427164.3).

ClinVar aggregate classification (germline): Uncertain significance (1 of 4 stars; one submission).

Submission:

Labcorp Genetics (formerly Invitae), Labcorp
Classification: Uncertain significance. Last evaluated: 2023-11-17. Review status: criteria provided, single submitter. Criteria: Invitae Variant Classification Sherloc (09022015). Collection method: clinical testing. Allele origin: germline.
Comment: A copy number gain of the genomic region encompassing the full coding sequence of the ANKH gene has been identified. The boundaries of this event are unknown as they extend beyond the assayed region for this gene and therefore may encompass additional genes. As the precise location of this event is unknown, it may be in tandem or it may be located elsewhere in the genome. This variant has not been reported in the literature in individuals affected with ANKH-related conditions. In summary, the available evidence is currently insufficient to determine the role of this variant in disease. Therefore, it has been classified as a Variant of Uncertain Significance.